The following is an entry in ClinVar:

NM_002887.4(RARS1):c.1784A>G (p.His595Arg)

Gene: RARS1 (arginyl-tRNA synthetase 1; plus strand). Cytogenetic location: 5q34.
Variant type: single nucleotide variant.
Coding change: c.1784A>G on transcript NM_002887.4 (MANE Select); coding-DNA position 1784, A replaced by G.
Protein change: p.His595Arg; replaces histidine 595 with arginine.
Molecular consequence: missense variant.
Genome position (GRCh38, 1-based): chr5:168,517,973, A>G. VCF-style: chr5-168517973-A-G. GRCh37 (hg19) VCF-style: chr5-167944978-A-G.
Other names: short protein forms H595R.
Identifiers: ClinVar variation 4795314 (VCV004795314.2).
Genomic context (GRCh38, chr5:168,517,973, plus strand): 5'-GCCGGTGCATTTTACGGTTCCCTGAGATTCTGCAAAAGATTTTAGATGACTTATTTCTCC[A>G]CACTCTCTGTGATTATATATATGAGCTGGCAACTGCTTTCACAGAGTTCTATGATAGCTG-3'
Protein context (NP_002878.2, residues 585-605): LQKILDDLFL[His595Arg]TLCDYIYELA

ClinVar aggregate classification (germline): Likely pathogenic (1 of 4 stars; one submission).

Submission:

GeneDx
Classification: Likely pathogenic. Last evaluated: 2026-04-02. Review status: criteria provided, single submitter. Criteria: GeneDx Variant Classification Process June 2021. Collection method: clinical testing. Allele origin: germline.
Comment: Not observed at significant frequency in large population cohorts (gnomAD); In silico analysis supports that this missense variant has a deleterious effect on protein structure/function; Has not been previously published as pathogenic or benign to our knowledge